The following is an entry in ClinVar:

ClinVar aggregate classification (germline): Uncertain significance (1 of 4 stars; one submission).

Submission:

Labcorp Genetics (formerly Invitae), Labcorp
Classification: Uncertain significance. Last evaluated: 2022-04-17. Review status: criteria provided, single submitter. Criteria: Invitae Variant Classification Sherloc (09022015). Collection method: clinical testing. Allele origin: germline.
Comment: In summary, the available evidence is currently insufficient to determine the role of this variant in disease. Therefore, it has been classified as a Variant of Uncertain Significance. Algorithms developed to predict the effect of missense changes on protein structure and function are either unavailable or do not agree on the potential impact of this missense change (SIFT: "Deleterious"; PolyPhen-2: "Benign"; Align-GVGD: "Class C0"). This variant has not been reported in the literature in individuals affected with GATA5-related conditions. This variant is not present in population databases (gnomAD no frequency). This sequence change replaces asparagine, which is neutral and polar, with threonine, which is neutral and polar, at codon 309 of the GATA5 protein (p.Asn309Thr).

NM_080473.5(GATA5):c.926A>C (p.Asn309Thr)

Gene: GATA5 (GATA binding protein 5; minus strand). Cytogenetic location: 20q13.33.
Variant type: single nucleotide variant.
Coding change: c.926A>C on transcript NM_080473.5 (MANE Select); coding-DNA position 926, A replaced by C.
Protein change: p.Asn309Thr; replaces asparagine 309 with threonine.
Molecular consequence: missense variant.
Genome position (GRCh38, 1-based): chr20:62,465,452, T>G on the plus strand (A>C on the coding strand, the complement: GATA5 is on the minus strand). VCF-style: chr20-62465452-T-G. GRCh37 (hg19) VCF-style: chr20-61040508-T-G.
Other names: short protein forms N309T.
Identifiers: ClinVar variation 2127116 (VCV002127116.4), dbSNP rs1182357421, ClinGen allele CA409552756.